The following is an entry in ClinVar:

ClinVar aggregate classification (germline): Uncertain significance (1 of 4 stars; one submission).

Submission:

Women's Health and Genetics/Laboratory Corporation of America, LabCorp
Classification: Uncertain significance. Last evaluated: 2025-06-02. Review status: criteria provided, single submitter. Criteria: LabCorp Variant Classification Summary - May 2015. Collection method: clinical testing. Allele origin: germline.
Comment: Variant summary: COL12A1 c.7589C>G (p.Thr2530Arg) results in a non-conservative amino acid change in the encoded protein sequence. Algorithms developed to predict the effect of missense changes on protein structure and function are either unavailable or do not agree on the potential impact of this missense change. The frequency data for this variant in gnomAD is considered unreliable, as metrics indicate poor data quality at this position. To our knowledge, no occurrence of c.7589C>G in individuals affected with COL12A1-related conditions and no experimental evidence demonstrating its impact on protein function have been reported. No submitters have cited clinical-significance assessments for this variant to ClinVar. Based on the evidence outlined above, the variant was classified as uncertain significance.

NM_004370.6(COL12A1):c.7589C>G (p.Thr2530Arg)

Gene: COL12A1 (collagen type XII alpha 1 chain; minus strand). Cytogenetic location: 6q13.
Variant type: single nucleotide variant.
Coding change: c.7589C>G on transcript NM_004370.6 (MANE Select); coding-DNA position 7589, C replaced by G.
Protein change: p.Thr2530Arg; replaces threonine 2530 with arginine.
Molecular consequence: missense variant.
Genome position (GRCh38, 1-based): chr6:75,115,892, G>C on the plus strand (C>G on the coding strand, the complement: COL12A1 is on the minus strand). VCF-style: chr6-75115892-G-C. GRCh37 (hg19) VCF-style: chr6-75825608-G-C.
Other names: c.7589C>G, p.Thr2530Arg (NM_001424113.1); c.7568C>G, p.Thr2523Arg (NM_001424114.1); c.7316C>G, p.Thr2439Arg (NM_001424115.1); c.4097C>G, p.Thr1366Arg (NM_001424116.1, NM_080645.3); short protein forms T1366R, T2439R, T2523R, T2530R.
Identifiers: ClinVar variation 3907464 (VCV003907464.1).